The following is an entry in ClinVar:

NM_016169.4(SUFU):c.318-17C>A

Gene: SUFU (SUFU negative regulator of hedgehog signaling; plus strand). Cytogenetic location: 10q24.32.
Variant type: single nucleotide variant.
Coding change: c.318-17C>A on transcript NM_016169.4 (MANE Select); 17 bases into the intron before coding-DNA position 318, C replaced by A.
Molecular consequence: intron variant.
Genome position (GRCh38, 1-based): chr10:102,549,953, C>A. VCF-style: chr10-102549953-C-A. GRCh37 (hg19) VCF-style: chr10-104309710-C-A.
Other names: c.318-17C>A (NM_001178133.2).
Identifiers: ClinVar variation 510714 (VCV000510714.14), dbSNP rs201198734, ClinGen allele CA5667657.

ClinVar aggregate classification (germline): Likely benign. Review status: criteria provided, multiple submitters, no conflicts (2 of 4 stars). 6 submissions from 6 submitters: Likely benign (5). 1 of the submissions does not count toward it. Last evaluated 2026-01-13.

Conditions:
Gorlin syndrome. Also called: Nevoid Basal Cell Carcinoma Syndrome; Basal cell nevus syndrome. Identifiers: Orphanet 377, MedGen C0004779, MONDO:0007187.
Medulloblastoma (MDB). Also called: Medulloblastoma, somatic; MEDULLOBLASTOMA PREDISPOSITION SYNDROME. Identifiers: Orphanet 616, MedGen C0025149, MeSH D008527, MONDO:0007959, OMIM 155255, HP:0002885.
SUFU-related disorder. Also called: SUFU-related condition; SUFU-related disorders.

Allele frequency attached by ClinVar (database versions not stated): gnomAD exomes 0.00011 and 0.00014; ExAC 0.00013; gnomAD 0.00017 and 0.00029; TOPMed 0.00019.
gnomAD v4.1: 240 of 1,614,028 alleles (0.015%); highest among the groups gnomAD compares: Middle Eastern, 0.082%; no homozygotes.

Submissions (6):

Labcorp Genetics (formerly Invitae), Labcorp
Classification: Likely benign for Gorlin syndrome; Medulloblastoma. Last evaluated: 2026-01-13. Review status: criteria provided, single submitter. Criteria: Invitae Variant Classification Sherloc (09022015). Collection method: clinical testing. Allele origin: germline.

Center for Genomic Medicine, Rigshospitalet, Copenhagen University Hospital
Classification: Likely benign. Last evaluated: 2025-03-04. Review status: criteria provided, single submitter. Criteria: ACMG Guidelines, 2015. Collection method: clinical testing. Allele origin: germline.

Blueprint Genetics
Classification: Likely benign. Last evaluated: 2024-05-23. Review status: criteria provided, single submitter. Criteria: ACMG Guidelines, 2015. Collection method: clinical testing. Allele origin: germline.

GeneDx
Classification: Likely benign. Last evaluated: 2017-07-11. Review status: criteria provided, single submitter. Criteria: GeneDx Variant Classification (06012015). Collection method: clinical testing. Allele origin: germline. Affected: yes.
Comment: This variant is considered likely benign or benign based on one or more of the following criteria: it is a conservative change, it occurs at a poorly conserved position in the protein, it is predicted to be benign by multiple in silico algorithms, and/or has population frequency not consistent with disease.

Breakthrough Genomics
Classification: Likely benign. Review status: criteria provided, single submitter. Criteria: ACMG Guidelines, 2015. Collection method: not provided. Allele origin: germline. Inheritance: Autosomal recessive inheritance. Affected: yes.

PreventionGenetics, part of Exact Sciences
Classification: Likely benign for SUFU-related condition. Last evaluated: 2021-08-09. Review status: no assertion criteria provided. Collection method: clinical testing. Allele origin: germline. Not counted in ClinVar's aggregate classification.
Comment: This variant is classified as likely benign based on ACMG/AMP sequence variant interpretation guidelines (Richards et al. 2015 PMID: 25741868, with internal and published modifications).